The following is an entry in ClinVar:

NM_005534.4(IFNGR2):c.918G>A (p.Leu306=)

Genes: IFNGR2 (interferon gamma receptor 2; plus strand), TMEM50B (transmembrane protein 50B; minus strand). Cytogenetic location: 21q22.11.
Variant type: single nucleotide variant.
Coding change: c.918G>A on transcript NM_005534.4 (MANE Select); coding-DNA position 918, G replaced by A.
Protein change: p.Leu306=; no amino-acid change (leucine 306 retained).
Molecular consequence: synonymous variant.
Genome position (GRCh38, 1-based): chr21:33,436,866, G>A. VCF-style: chr21-33436866-G-A. GRCh37 (hg19) VCF-style: chr21-34809173-G-A.
Other names: c.975G>A, p.Leu325= (NM_001329128.2).
Identifiers: ClinVar variation 2151330 (VCV002151330.28), dbSNP rs143198588, ClinGen allele CA10007073.

ClinVar aggregate classification (germline): Likely benign. Review status: criteria provided, multiple submitters, no conflicts (2 of 4 stars). 2 submissions from 2 submitters: Likely benign (2). Last evaluated 2024-04-25.

Conditions:
Immunodeficiency 28 (IMD28). Also called: IFNGR2 DEFICIENCY. Identifiers: Orphanet 319547, Orphanet 319574, MedGen C4013947, MONDO:0013953, OMIM 614889.

Allele frequency attached by ClinVar (database versions not stated): gnomAD exomes 0.00001; TOPMed 0.00003; gnomAD 0.00004; ExAC 0.00006; ESP Exome Variant Server 0.00008.
gnomAD v4.1: 24 of 1,613,940 alleles (0.0015%); highest among the groups gnomAD compares: East Asian, 0.031%; no homozygotes.

Submissions (2):

Labcorp Genetics (formerly Invitae), Labcorp
Classification: Likely benign for Immunodeficiency 28. Last evaluated: 2024-04-25. Review status: criteria provided, single submitter. Criteria: Invitae Variant Classification Sherloc (09022015). Collection method: clinical testing. Allele origin: germline.

CeGaT Center for Human Genetics Tuebingen
Classification: Likely benign. Last evaluated: 2022-08-01. Review status: criteria provided, single submitter. Criteria: CeGaT Center For Human Genetics Tuebingen Variant Classification Criteria Version 2. Collection method: clinical testing. Allele origin: germline. Affected: yes. Observed: 1 variant allele.
Comment: IFNGR2: BP4